The following is an entry in ClinVar:

ClinVar aggregate classification (germline): Uncertain significance (0 of 4 stars; one submission).

Conditions:
LRRC45-related disorder. Also called: LRRC45-related condition.

gnomAD v4.1: 2 of 1,608,408 alleles (0.00012%); highest among the groups gnomAD compares: Non-Finnish European, 0.00017%; no homozygotes.

Submission:

PreventionGenetics, part of Exact Sciences
Classification: Uncertain significance for LRRC45-related condition. Last evaluated: 2024-08-13. Review status: no assertion criteria provided. Collection method: clinical testing. Allele origin: germline.
Comment: The LRRC45 c.698C>A variant is predicted to result in the amino acid substitution p.Thr233Asn. To our knowledge, this variant has not been reported in the literature or in a large population database, indicating this variant is rare. At this time, the clinical significance of this variant is uncertain due to the absence of conclusive functional and genetic evidence.

NM_144999.4(LRRC45):c.698C>A (p.Thr233Asn)

Gene: LRRC45 (leucine rich repeat containing 45; plus strand). Cytogenetic location: 17q25.3.
Variant type: single nucleotide variant.
Coding change: c.698C>A on transcript NM_144999.4 (MANE Select); coding-DNA position 698, C replaced by A.
Protein change: p.Thr233Asn; replaces threonine 233 with asparagine.
Molecular consequence: missense variant.
Genome position (GRCh38, 1-based): chr17:82,026,935, C>A. VCF-style: chr17-82026935-C-A. GRCh37 (hg19) VCF-style: chr17-79984811-C-A.
Other names: short protein forms T233N.
Identifiers: ClinVar variation 3345600 (VCV003345600.1).